The following is an entry in ClinVar:

NM_203447.4(DOCK8):c.5101G>A (p.Glu1701Lys)

Gene: DOCK8 (dedicator of cytokinesis 8; plus strand). Cytogenetic location: 9p24.3.
Variant type: single nucleotide variant.
Coding change: c.5101G>A on transcript NM_203447.4 (MANE Select); coding-DNA position 5101, G replaced by A.
Protein change: p.Glu1701Lys; replaces glutamic acid 1701 with lysine.
Molecular consequence: missense variant.
Genome position (GRCh38, 1-based): chr9:439,266, G>A. VCF-style: chr9-439266-G-A. GRCh37 (hg19) VCF-style: chr9-439266-G-A.
Other names: c.4801G>A, p.Glu1601Lys (NM_001190458.2); c.4897G>A, p.Glu1633Lys (NM_001193536.2); short protein forms E1601K, E1701K, E1633K.
Identifiers: ClinVar variation 1351090 (VCV001351090.8), dbSNP rs2131793760, ClinGen allele CA372767661.
Genomic context (GRCh38, chr9:439,266, plus strand): 5'-TCGCCCTGTTCTCCAGGCTTATACTGTGGTCTCTTTCAGAATATTTCTTCCAATGTGCTG[G>A]AGGAGTCTGTGGTCTCTGAGGACACCCTGTCACCTGACGAGGATGGGGTGTGCGCAGGCC-3'
Protein context (NP_982272.2, residues 1691-1711): SFQNISSNVL[Glu1701Lys]ESVVSEDTLS

ClinVar aggregate classification (germline): Uncertain significance (1 of 4 stars; one submission).

Conditions:
Combined immunodeficiency due to DOCK8 deficiency (HIES2). Also called: HYPER-IgE RECURRENT INFECTION SYNDROME 2, AUTOSOMAL RECESSIVE; HYPER-IgE SYNDROME 2, AUTOSOMAL RECESSIVE, WITH RECURRENT INFECTIONS; HIES autosomal recessive; DOCK8 Deficiency; Hyper-IgE recurrent infection syndrome, autosomal recessive. Identifiers: Orphanet 217390, MedGen C4722305, MONDO:0009478, OMIM 243700.

Allele frequency attached by ClinVar (database versions not stated): gnomAD exomes below 0.00001.
gnomAD v4.1: 1 of 1,614,184 alleles (0.000062%); highest among the groups gnomAD compares: Non-Finnish European, 0.000085%; no homozygotes.

Submission:

Labcorp Genetics (formerly Invitae), Labcorp
Classification: Uncertain significance for Combined immunodeficiency due to DOCK8 deficiency. Last evaluated: 2024-10-21. Review status: criteria provided, single submitter. Criteria: Invitae Variant Classification Sherloc (09022015). Collection method: clinical testing. Allele origin: germline.
Comment: This sequence change replaces glutamic acid, which is acidic and polar, with lysine, which is basic and polar, at codon 1701 of the DOCK8 protein (p.Glu1701Lys). This variant is not present in population databases (gnomAD no frequency). This variant has not been reported in the literature in individuals affected with DOCK8-related conditions. ClinVar contains an entry for this variant (Variation ID: 1351090). Invitae Evidence Modeling of protein sequence and biophysical properties (such as structural, functional, and spatial information, amino acid conservation, physicochemical variation, residue mobility, and thermodynamic stability) indicates that this missense variant is expected to disrupt DOCK8 protein function with a positive predictive value of 80%. In summary, the available evidence is currently insufficient to determine the role of this variant in disease. Therefore, it has been classified as a Variant of Uncertain Significance.